The following is an entry in ClinVar:

ClinVar aggregate classification (germline): Conflicting classifications of pathogenicity. Review status: criteria provided, conflicting classifications (1 of 4 stars). 3 submissions from 3 submitters: Uncertain significance (1); Likely benign (2). Last evaluated 2025-11-20.

Conditions:
Hereditary cancer-predisposing syndrome. Also called: Neoplastic Syndromes, Hereditary; Tumor predisposition; Hereditary Cancer Syndrome; Hereditary neoplastic syndrome. Identifiers: Orphanet 140162, MedGen C0027672, MeSH D009386, MONDO:0015356.

Allele frequency attached by ClinVar (database versions not stated): gnomAD exomes 0.00001; TOPMed 0.00001.
gnomAD v4.1: 9 of 1,613,750 alleles (0.00056%); highest among the groups gnomAD compares: Admixed American, 0.0033%; no homozygotes.

Submissions (3):

Labcorp Genetics (formerly Invitae), Labcorp
Classification: Likely benign. Last evaluated: 2025-11-20. Review status: criteria provided, single submitter. Criteria: Invitae Variant Classification Sherloc (09022015). Collection method: clinical testing. Allele origin: germline.

GeneDx
Classification: Uncertain significance. Last evaluated: 2024-08-08. Review status: criteria provided, single submitter. Criteria: GeneDx Variant Classification Process June 2021. Collection method: clinical testing. Allele origin: germline. Affected: yes.
Comment: Not observed at significant frequency in large population cohorts (gnomAD); In silico analysis indicates that this variant does not alter splicing; Has not been previously published as pathogenic or benign to our knowledge

Ambry Genetics
Classification: Likely benign for Hereditary cancer-predisposing syndrome. Last evaluated: 2018-11-29. Review status: criteria provided, single submitter. Criteria: Ambry Variant Classification Scheme 2023. Collection method: clinical testing. Allele origin: germline.

NM_006231.4(POLE):c.6639C>G (p.Ala2213=)

Gene: POLE (DNA polymerase epsilon, catalytic subunit; minus strand). Cytogenetic location: 12q24.33.
Variant type: single nucleotide variant.
Coding change: c.6639C>G on transcript NM_006231.4 (MANE Select); coding-DNA position 6639, C replaced by G.
Protein change: p.Ala2213=; no amino-acid change (alanine 2213 retained).
Molecular consequence: synonymous variant.
Genome position (GRCh38, 1-based): chr12:132,625,663, G>C on the plus strand (C>G on the coding strand, the complement: POLE is on the minus strand). VCF-style: chr12-132625663-G-C. GRCh37 (hg19) VCF-style: chr12-133202249-G-C.
Identifiers: ClinVar variation 413572 (VCV000413572.14), dbSNP rs1060504064, ClinGen allele CA16613557.